The following is an entry in ClinVar:

ClinVar aggregate classification (germline): Uncertain significance. Review status: criteria provided, multiple submitters, no conflicts (2 of 4 stars). 4 submissions from 4 submitters: Uncertain significance (4). Last evaluated 2025-05-01.

Conditions:
Familial thoracic aortic aneurysm and aortic dissection (TAAD). Also called: Thoracic aortic aneurysms and dissections. Identifiers: Orphanet 91387, MedGen C4707243, MONDO:0019625.

Allele frequency attached by ClinVar (database versions not stated): TOPMed below 0.00001; ExAC 0.00001; gnomAD 0.00001; gnomAD exomes 0.00002.
gnomAD v4.1: 35 of 1,613,988 alleles (0.0022%); highest among the groups gnomAD compares: East Asian, 0.0067%; no homozygotes.

Submissions (4):

CeGaT Center for Human Genetics Tuebingen
Classification: Uncertain significance. Last evaluated: 2025-05-01. Review status: criteria provided, single submitter. Criteria: CeGaT Center For Human Genetics Tuebingen Variant Classification Criteria Version 2. Collection method: clinical testing. Allele origin: germline. Affected: yes. Observed: 1 variant allele.
Comment: ACTA2: PP2, PP3

Color Diagnostics, LLC DBA Color Health
Classification: Uncertain significance for Familial thoracic aortic aneurysm and aortic dissection. Last evaluated: 2025-01-20. Review status: criteria provided, single submitter. Criteria: ACMG Guidelines, 2015. Collection method: clinical testing. Allele origin: germline.
Comment: This missense variant replaces isoleucine with leucine at codon 250 of the ACTA2 protein. Computational prediction suggests that this variant may have a deleterious impact on protein structure and function. To our knowledge, functional studies have not been reported for this variant. This variant has been reported in an individual affected with sporadic thoracic aortic aneurysm and dissection (Papke 2010, dissertation, University of Texas) and in an individual affected with an aortic event (PMID: 25759435). This variant has been identified in 5/251018 chromosomes in the general population by the Genome Aggregation Database (gnomAD). The available evidence is insufficient to determine the role of this variant in disease conclusively. Therefore, this variant is classified as a Variant of Uncertain Significance.

All of Us Research Program, National Institutes of Health
Classification: Uncertain significance for Familial thoracic aortic aneurysm and aortic dissection. Last evaluated: 2023-12-18. Review status: criteria provided, single submitter. Criteria: ACMG Guidelines, 2015. Collection method: clinical testing. Allele origin: germline. Inheritance: Autosomal dominant inheritance. Observed: 2 variant alleles, 2 heterozygotes.
Comment: This missense variant replaces isoleucine with leucine at codon 250 of the ACTA2 protein. Computational prediction suggests that this variant may have a deleterious impact on protein structure and function (internally defined REVEL score threshold >= 0.7, PMID: 27666373). To our knowledge, functional studies have not been reported for this variant. This variant has been reported in an individual affected with an aortic event (PMID: 25759435) and in an individual affected with sporadic thoracic aortic aneurysm and dissection (Papke 2010, dissertation, University of Texas). This variant has been identified in 5/251018 chromosomes in the general population by the Genome Aggregation Database (gnomAD). The available evidence is insufficient to determine the role of this variant in disease conclusively. Therefore, this variant is classified as a Variant of Uncertain Significance.

This study involves interpretation of variants in research participants for the purpose of population health screening. Participant phenotype was not available at the time of variant classification. Additional details can be found in publication PMID: 35346344, PMCID: PMC8962531

AiLife Diagnostics
Classification: Uncertain significance. Last evaluated: 2021-12-27. Review status: criteria provided, single submitter. Criteria: ACMG Guidelines, 2015. Collection method: clinical testing. Allele origin: germline. Affected: yes. Observed: 1 variant allele.

Literature cited by the submitters: PubMed 25759435 (cited by Color Diagnostics, LLC DBA Color Health and All of Us Research Program, National Institutes of Health); PubMed 19409525 (cited by AiLife Diagnostics).

NM_001613.4(ACTA2):c.748A>C (p.Ile250Leu)

Genes: ACTA2 (actin alpha 2, smooth muscle; minus strand), ACTA2-AS1 (ACTA2 antisense RNA 1; plus strand). Cytogenetic location: 10q23.31.
Variant type: single nucleotide variant.
Coding change: c.748A>C on transcript NM_001613.4 (MANE Select); coding-DNA position 748, A replaced by C.
Protein change: p.Ile250Leu; replaces isoleucine 250 with leucine.
Molecular consequence: missense variant. On other transcripts: non-coding transcript variant (1).
Genome position (GRCh38, 1-based): chr10:88,939,567, T>G on the plus strand (A>C on the coding strand, the complement: ACTA2 is on the minus strand). VCF-style: chr10-88939567-T-G. GRCh37 (hg19) VCF-style: chr10-90699324-T-G.
Other names: c.748A>C, p.Ile250Leu (NM_001141945.3, NM_001320855.2, NM_001406462.1 and 2 more transcripts); c.637A>C, p.Ile213Leu (NM_001406466.1); c.619A>C, p.Ile207Leu (NM_001406467.1, NM_001406468.1, NM_001406469.1); short protein forms I250L, I207L, I213L.
Identifiers: ClinVar variation 923224 (VCV000923224.19), dbSNP rs755463167, ClinGen allele CA029402.
Genomic context (GRCh38, chr10:88,939,567, plus strand): 5'-CGATGAAGGATGGCTGGAACAGGGTCTCTGGGCAGCGGAAACGTTCATTTCCGATGGTGA[T>G]CACTTGCCCATCAGGCAACTCGTAACTCTTCTCAAGGGAGGATGAGGATGCGGCAGTGGC-3'
Protein context (NP_001604.1, residues 240-260): KSYELPDGQV[Ile250Leu]TIGNERFRCP